The following is an entry in ClinVar:

ClinVar aggregate classification (germline): Uncertain significance (1 of 4 stars; one submission).

Conditions:
Long chain 3-hydroxyacyl-CoA dehydrogenase deficiency. Also called: Deficiency of long-chain 3-hydroxyacyl-coenzyme A dehydrogenase; LCHAD Deficiency. Identifiers: Orphanet 5, MedGen C3711645, MONDO:0012173, OMIM 609016.
Mitochondrial trifunctional protein deficiency. Identifiers: Orphanet 746, MedGen C1969443, MONDO:0012172.

Allele frequency attached by ClinVar (database versions not stated): TOPMed below 0.00001; gnomAD 0.00001; ESP Exome Variant Server 0.00008.

Submission:

Labcorp Genetics (formerly Invitae), Labcorp
Classification: Uncertain significance for Mitochondrial trifunctional protein deficiency; Long chain 3-hydroxyacyl-CoA dehydrogenase deficiency. Last evaluated: 2021-08-26. Review status: criteria provided, single submitter. Criteria: Invitae Variant Classification Sherloc (09022015). Collection method: clinical testing. Allele origin: germline.
Comment: This sequence change replaces glutamine with arginine at codon 114 of the HADHA protein (p.Gln114Arg). The glutamine residue is moderately conserved and there is a small physicochemical difference between glutamine and arginine. This variant is not present in population databases (ExAC no frequency). This variant has not been reported in the literature in individuals affected with HADHA-related conditions. Advanced modeling of protein sequence and biophysical properties (such as structural, functional, and spatial information, amino acid conservation, physicochemical variation, residue mobility, and thermodynamic stability) performed at Invitae indicates that this missense variant is not expected to disrupt HADHA protein function. In summary, the available evidence is currently insufficient to determine the role of this variant in disease. Therefore, it has been classified as a Variant of Uncertain Significance.

NM_000182.5(HADHA):c.341A>G (p.Gln114Arg)

Gene: HADHA (hydroxyacyl-CoA dehydrogenase trifunctional multienzyme complex subunit alpha; minus strand). Cytogenetic location: 2p23.3.
Variant type: single nucleotide variant.
Coding change: c.341A>G on transcript NM_000182.5 (MANE Select); coding-DNA position 341, A replaced by G.
Protein change: p.Gln114Arg; replaces glutamine 114 with arginine.
Molecular consequence: missense variant.
Genome position (GRCh38, 1-based): chr2:26,234,329, T>C on the plus strand (A>G on the coding strand, the complement: HADHA is on the minus strand). VCF-style: chr2-26234329-T-C. GRCh37 (hg19) VCF-style: chr2-26457197-T-C.
Other names: short protein forms Q114R.
Identifiers: ClinVar variation 1501013 (VCV001501013.6), dbSNP rs145798498, ClinGen allele CA44353713.